The following is an entry in ClinVar:

ClinVar aggregate classification (germline): Uncertain significance (1 of 4 stars; one submission).

Allele frequency attached by ClinVar (database versions not stated): gnomAD exomes 0.00001 and 0.00002; TOPMed 0.00001; gnomAD 0.00003.
gnomAD v4.1: 24 of 1,613,624 alleles (0.0015%); highest among the groups gnomAD compares: South Asian, 0.026%; 1 homozygote.

Submission:

Labcorp Genetics (formerly Invitae), Labcorp
Classification: Uncertain significance. Last evaluated: 2021-10-12. Review status: criteria provided, single submitter. Criteria: Invitae Variant Classification Sherloc (09022015). Collection method: clinical testing. Allele origin: germline.
Comment: In summary, the available evidence is currently insufficient to determine the role of this variant in disease. Therefore, it has been classified as a Variant of Uncertain Significance. Algorithms developed to predict the effect of missense changes on protein structure and function (SIFT, PolyPhen-2, Align-GVGD) all suggest that this variant is likely to be tolerated. This variant has not been reported in the literature in individuals affected with LIG1-related conditions. The frequency data for this variant in the population databases is considered unreliable, as metrics indicate poor data quality at this position in the ExAC database. This sequence change replaces glutamic acid with valine at codon 497 of the LIG1 protein (p.Glu497Val). The glutamic acid residue is highly conserved and there is a moderate physicochemical difference between glutamic acid and valine.

NM_000234.3(LIG1):c.1490A>T (p.Glu497Val)

Gene: LIG1 (DNA ligase 1; minus strand). Cytogenetic location: 19q13.33.
Variant type: single nucleotide variant.
Coding change: c.1490A>T on transcript NM_000234.3 (MANE Select); coding-DNA position 1490, A replaced by T.
Protein change: p.Glu497Val; replaces glutamic acid 497 with valine.
Molecular consequence: missense variant. On other transcripts: non-coding transcript variant (6).
Genome position (GRCh38, 1-based): chr19:48,135,713, T>A on the plus strand (A>T on the coding strand, the complement: LIG1 is on the minus strand). VCF-style: chr19-48135713-T-A. GRCh37 (hg19) VCF-style: chr19-48638970-T-A.
Other names: c.1397A>T, p.Glu466Val (NM_001289063.2); c.1286A>T, p.Glu429Val (NM_001289064.2); c.1487A>T, p.Glu496Val (NM_001320970.2); c.1400A>T, p.Glu467Val (NM_001320971.2); short protein forms E429V, E466V, E496V, E497V, E467V.
Identifiers: ClinVar variation 1504822 (VCV001504822.4), dbSNP rs74929288, ClinGen allele CA9546806.